The following is an entry in ClinVar:

NM_001197104.2(KMT2A):c.4096C>T (p.Pro1366Ser)

Gene: KMT2A (lysine methyltransferase 2A; plus strand). Cytogenetic location: 11q23.3.
Variant type: single nucleotide variant.
Coding change: c.4096C>T on transcript NM_001197104.2 (MANE Select); coding-DNA position 4096, C replaced by T.
Protein change: p.Pro1366Ser; replaces proline 1366 with serine.
Molecular consequence: missense variant.
Genome position (GRCh38, 1-based): chr11:118,484,192, C>T. VCF-style: chr11-118484192-C-T. GRCh37 (hg19) VCF-style: chr11-118354907-C-T.
Other names: c.4096C>T, p.Pro1366Ser (NM_005933.4); short protein forms P1366S.
Identifiers: ClinVar variation 1403278 (VCV001403278.8), dbSNP rs2134311091, ClinGen allele CA382829917.
Genomic context (GRCh38, chr11:118,484,192, plus strand): 5'-GAAGGCAAATAGGGTGTGATTTTGTTCTATATTCATCTTTTGTCTCCTTAGGAAAAACCA[C>T]CTCCGGTCAATAAGCAGGAGAATGCAGGCACTTTGAACATCCTCAGCACTCTCTCCAATG-3'
Protein context (NP_001184033.1, residues 1356-1376): KQKPKEKEKP[Pro1366Ser]PVNKQENAGT

ClinVar aggregate classification (germline): Uncertain significance (1 of 4 stars; one submission).

Allele frequency attached by ClinVar (database versions not stated): gnomAD exomes below 0.00001.
gnomAD v4.1: 2 of 1,614,132 alleles (0.00012%); highest among the groups gnomAD compares: Admixed American, 0.0017%; no homozygotes.

Submission:

Labcorp Genetics (formerly Invitae), Labcorp
Classification: Uncertain significance. Last evaluated: 2024-06-23. Review status: criteria provided, single submitter. Criteria: Invitae Variant Classification Sherloc (09022015). Collection method: clinical testing. Allele origin: germline.
Comment: This sequence change replaces proline, which is neutral and non-polar, with serine, which is neutral and polar, at codon 1366 of the KMT2A protein (p.Pro1366Ser). This variant is not present in population databases (gnomAD no frequency). This variant has not been reported in the literature in individuals affected with KMT2A-related conditions. ClinVar contains an entry for this variant (Variation ID: 1403278). Advanced modeling of protein sequence and biophysical properties (such as structural, functional, and spatial information, amino acid conservation, physicochemical variation, residue mobility, and thermodynamic stability) performed at Invitae indicates that this missense variant is not expected to disrupt KMT2A protein function with a negative predictive value of 95%. In summary, the available evidence is currently insufficient to determine the role of this variant in disease. Therefore, it has been classified as a Variant of Uncertain Significance.